The following is an entry in ClinVar:

NM_007294.4(BRCA1):c.3695_3698del (p.Gly1232fs)

Genes: BRCA1 (BRCA1 DNA repair associated; minus strand), LOC126862571 (BRD4-independent group 4 enhancer GRCh37_chr17:41243136-41244335; plus strand). Cytogenetic location: 17q21.31.
Variant type: Deletion.
Coding change: c.3695_3698del on transcript NM_007294.4 (MANE Select); coding-DNA positions 3695 to 3698, 4 bases deleted (GTAA; older notation c.3695_3698delGTAA).
Protein change: p.Gly1232fs; shifts the reading frame from glycine 1232.
Molecular consequence: frameshift variant. On other transcripts: intron variant (135).
Genome position (GRCh38, 1-based): chr17:43,091,833-43,091,836, TTAC deleted on the plus strand (GTAA on the coding strand, the reverse complement: BRCA1 is on the minus strand). VCF-style (leftmost placement, unchanged base first): chr17-43091832-TTTAC-T. GRCh37 (hg19) VCF-style: chr17-41243849-TTTAC-T.
Other names: c.3482_3485del, p.Gly1161fs (NM_001407571.1, NM_001407853.1, NM_001407894.1 and 9 more transcripts); c.3695_3698del, p.Gly1232fs (NM_001407581.1, NM_001407582.1, NM_001407583.1 and 30 more transcripts); c.3692_3695del, p.Gly1231fs (NM_001407587.1, NM_001407590.1, NM_001407591.1 and 22 more transcripts); c.3686_3689del, p.Gly1229fs (NM_001407646.1, NM_001407647.1); c.3572_3575del, p.Gly1191fs (NM_001407648.1, NM_001407664.1, NM_001407665.1 and 19 more transcripts); c.3569_3572del, p.Gly1190fs (NM_001407649.1, NM_001407670.1, NM_001407671.1 and 11 more transcripts); c.3617_3620del, p.Gly1206fs (NM_001407653.1, NM_001407654.1, NM_001407655.1 and 4 more transcripts); c.3614_3617del, p.Gly1205fs (NM_001407659.1, NM_001407660.1, NM_001407661.1 and 1 more transcripts); and 41 more; short protein forms G1232fs, G1185fs, G1144fs, G1164fs, G1206fs, G1064fs, G1105fs, G1143fs.
Identifiers: ClinVar variation 54963 (VCV000054963.3), dbSNP rs397509093, ClinGen allele CA002362.
Genomic context (GRCh38, chr17:43,091,832, plus strand): 5'-AGACAGACACTCGGTAGCAACGGTGCTATGCCTAGTAGACTGAGAAGGTATATTGTTTAC[TTTAC>T]CAAATAACAAGTGTTGGAAGCAGGGAAGCTCTTCATCCTCACTAGATAAGTTCTCTTCTG-3'

ClinVar aggregate classification (germline): Pathogenic. Review status: reviewed by expert panel (3 of 4 stars). 2 submissions from 2 submitters: Pathogenic (1). 1 of the submissions does not count toward it. Last evaluated 2017-12-15.

Conditions:
Breast-ovarian cancer, familial, susceptibility to, 1 (BROVCA1). Also called: BRCA1 Hereditary Breast and Ovarian Cancer; OVARIAN CANCER, SUSCEPTIBILITY TO. Identifiers: Orphanet 145, MedGen C2676676, MONDO:0011450, OMIM 604370. Disease mechanism: loss of function.
Hereditary breast ovarian cancer syndrome. Also called: BRCA1- and BRCA2-Associated Hereditary Breast and Ovarian Cancer; Hereditary breast and ovarian cancer syndrome; Hereditary breast and ovarian cancer syndrome (HBOC); Breast and ovarian cancer; Hereditary breast and/or ovarian cancer syndrome; Hereditary breast and ovarian cancer. Identifiers: Orphanet 145, MedGen C0677776, MeSH D061325, MONDO:0003582. Disease mechanism: loss of function.

Submissions (2):

Evidence-based Network for the Interpretation of Germline Mutant Alleles (ENIGMA)
Classification: Pathogenic for Breast-ovarian cancer, familial, susceptibility to, 1. Last evaluated: 2017-12-15. Review status: reviewed by expert panel. Criteria: ENIGMA BRCA1/2 Classification Criteria (2017-06-29). Collection method: curation. Allele origin: germline. Study: ENIGMA.
Comment: Variant allele predicted to encode a truncated non-functional protein.

Research Molecular Genetics Laboratory, Women's College Hospital, University of Toronto
Classification: Pathogenic for Hereditary breast ovarian cancer syndrome. Last evaluated: 2014-01-31. Review status: no assertion criteria provided. Collection method: research. Allele origin: germline. Affected: yes. Study: The Canadian Open Genetics Repository (COGR). Not counted in ClinVar's aggregate classification.